The following is an entry in ClinVar:

NM_015570.4(AUTS2):c.2924A>G (p.Lys975Arg)

Gene: AUTS2 (activator of transcription and developmental regulator AUTS2; plus strand). Cytogenetic location: 7q11.22.
Variant type: single nucleotide variant.
Coding change: c.2924A>G on transcript NM_015570.4 (MANE Select); coding-DNA position 2924, A replaced by G.
Protein change: p.Lys975Arg; replaces lysine 975 with arginine.
Molecular consequence: missense variant.
Genome position (GRCh38, 1-based): chr7:70,790,140, A>G. VCF-style: chr7-70790140-A-G. GRCh37 (hg19) VCF-style: chr7-70255126-A-G.
Other names: c.2852A>G, p.Lys951Arg (NM_001127231.3); short protein forms K951R, K975R.
Identifiers: ClinVar variation 1310636 (VCV001310636.5), dbSNP rs2129561583, ClinGen allele CA367665111.

ClinVar aggregate classification (germline): Conflicting classifications of pathogenicity. Review status: criteria provided, conflicting classifications (1 of 4 stars). 2 submissions from 2 submitters: Uncertain significance (1); Benign (1). Last evaluated 2024-03-04.

Submissions (2):

Labcorp Genetics (formerly Invitae), Labcorp
Classification: Benign. Last evaluated: 2024-03-04. Review status: criteria provided, single submitter. Criteria: Invitae Variant Classification Sherloc (09022015). Collection method: clinical testing. Allele origin: germline.

GeneDx
Classification: Uncertain significance. Last evaluated: 2019-12-04. Review status: criteria provided, single submitter. Criteria: GeneDx Variant Classification Process June 2021. Collection method: clinical testing. Allele origin: germline. Affected: yes.
Comment: Not observed in large population cohorts (Lek et al., 2016); In silico analysis, which includes protein predictors and evolutionary conservation, supports that this variant does not alter protein structure/function; Has not been previously published as pathogenic or benign to our knowledge